The following is an entry in ClinVar:

NM_000138.5(FBN1):c.6088A>G (p.Ser2030Gly)

Gene: FBN1 (fibrillin 1; minus strand). Cytogenetic location: 15q21.1.
Variant type: single nucleotide variant.
Coding change: c.6088A>G on transcript NM_000138.5 (MANE Select); coding-DNA position 6088, A replaced by G.
Protein change: p.Ser2030Gly; replaces serine 2030 with glycine.
Molecular consequence: missense variant.
Genome position (GRCh38, 1-based): chr15:48,441,796, T>C on the plus strand (A>G on the coding strand, the complement: FBN1 is on the minus strand). VCF-style: chr15-48441796-T-C. GRCh37 (hg19) VCF-style: chr15-48733993-T-C.
Other names: c.6088A>G, p.Ser2030Gly (NM_001406716.1); short protein forms S2030G.
Identifiers: ClinVar variation 3760796 (VCV003760796.2).

ClinVar aggregate classification (germline): Uncertain significance (1 of 4 stars; one submission).

Conditions:
Marfan syndrome (MFS). Also called: MARFAN SYNDROME, TYPE I; Marfan syndrome type 1; Marfan's syndrome; Marfan syndrome, classic; FBN1-Related Marfan Syndrome. Identifiers: Orphanet 284963, Orphanet 558, MedGen C0024796, MONDO:0007947, OMIM 154700.
Familial thoracic aortic aneurysm and aortic dissection (TAAD). Also called: Thoracic aortic aneurysms and dissections. Identifiers: Orphanet 91387, MedGen C4707243, MONDO:0019625.

gnomAD v4.1: 1 of 1,613,544 alleles (0.000062%); no homozygotes.

Submission:

Labcorp Genetics (formerly Invitae), Labcorp
Classification: Uncertain significance for Marfan syndrome; Familial thoracic aortic aneurysm and aortic dissection. Last evaluated: 2024-05-01. Review status: criteria provided, single submitter. Criteria: Invitae Variant Classification Sherloc (09022015). Collection method: clinical testing. Allele origin: germline.
Comment: This sequence change replaces serine, which is neutral and polar, with glycine, which is neutral and non-polar, at codon 2030 of the FBN1 protein (p.Ser2030Gly). This variant is present in population databases (no rsID available, gnomAD 0.007%). This variant has not been reported in the literature in individuals affected with FBN1-related conditions. Advanced modeling of protein sequence and biophysical properties (such as structural, functional, and spatial information, amino acid conservation, physicochemical variation, residue mobility, and thermodynamic stability) has been performed at Invitae for this missense variant, however the output from this modeling did not meet the statistical confidence thresholds required to predict the impact of this variant on FBN1 protein function. In summary, the available evidence is currently insufficient to determine the role of this variant in disease. Therefore, it has been classified as a Variant of Uncertain Significance.